The following is an entry in ClinVar:

ClinVar aggregate classification (germline): Pathogenic/Likely pathogenic. Review status: criteria provided, multiple submitters, no conflicts (2 of 4 stars). 3 submissions from 3 submitters: Pathogenic (2); Likely pathogenic (1). Last evaluated 2026-02-09.

Conditions:
Phenylketonuria (PKU). Also called: Phenylketonuria (PKU); OLIGOPHRENIA PHENYLPYRUVICA; FOLLING DISEASE; Phenylketonurias. Identifiers: Orphanet 716, MedGen C0031485, MONDO:0009861, OMIM 261600. Disease mechanism: loss of function.

Submissions (3):

Department of Human Genetics, Hannover Medical School
Classification: Likely pathogenic for Phenylketonuria. Last evaluated: 2026-02-09. Review status: criteria provided, single submitter. Criteria: ACMG Guidelines, 2015. Collection method: clinical testing. Allele origin: germline. Affected: yes.
Comment: PS3_Supporting, PM2_Supporting, PP3_Strong, PP4_Moderate

Baylor Genetics
Classification: Pathogenic for Phenylketonuria. Last evaluated: 2024-03-20. Review status: criteria provided, single submitter. Criteria: ACMG Guidelines, 2015. Collection method: clinical testing. Allele origin: unknown.

Labcorp Genetics (formerly Invitae), Labcorp
Classification: Pathogenic for Phenylketonuria. Last evaluated: 2022-06-08. Review status: criteria provided, single submitter. Criteria: Invitae Variant Classification Sherloc (09022015). Collection method: clinical testing. Allele origin: germline.
Comment: This sequence change replaces serine, which is neutral and polar, with isoleucine, which is neutral and non-polar, at codon 391 of the PAH protein (p.Ser391Ile). For these reasons, this variant has been classified as Pathogenic. This variant disrupts the p.Ser391 amino acid residue in PAH. Other variant(s) that disrupt this residue have been observed in individuals with PAH-related conditions (PMID: 32668217), which suggests that this may be a clinically significant amino acid residue. Advanced modeling of protein sequence and biophysical properties (such as structural, functional, and spatial information, amino acid conservation, physicochemical variation, residue mobility, and thermodynamic stability) performed at Invitae indicates that this missense variant is expected to disrupt PAH protein function. This missense change has been observed in individual(s) with hyperphenylalaninemia (PMID: 15503242, 32668217). This variant is not present in population databases (gnomAD no frequency).

Literature cited by the submitters: PubMed 32668217 (cited by Labcorp Genetics (formerly Invitae), Labcorp); PubMed 15503242 (cited by Labcorp Genetics (formerly Invitae), Labcorp).

NM_000277.3(PAH):c.1172G>T (p.Ser391Ile)

Gene: PAH (phenylalanine hydroxylase; minus strand). Cytogenetic location: 12q23.2.
Variant type: single nucleotide variant.
Coding change: c.1172G>T on transcript NM_000277.3 (MANE Select); coding-DNA position 1172, G replaced by T.
Protein change: p.Ser391Ile; replaces serine 391 with isoleucine.
Molecular consequence: missense variant.
Genome position (GRCh38, 1-based): chr12:102,843,673, C>A on the plus strand (G>T on the coding strand, the complement: PAH is on the minus strand). VCF-style: chr12-102843673-C-A. GRCh37 (hg19) VCF-style: chr12-103237451-C-A.
Other names: c.1172G>T, p.Ser391Ile (NM_001354304.2); short protein forms S391I.
Identifiers: ClinVar variation 2137404 (VCV002137404.5), dbSNP rs869312997, ClinGen allele CA16020957.